The following is an entry in ClinVar:

ClinVar aggregate classification (germline): Likely pathogenic (1 of 4 stars; one submission).

Conditions:
WDPCP-related disorder. Also called: WDPCP-related condition.

Submission:

PreventionGenetics, part of Exact Sciences
Classification: Likely pathogenic for WDPCP-related condition. Last evaluated: 2025-01-23. Review status: criteria provided, single submitter. Criteria: ACMG Guidelines, 2015. Collection method: clinical testing. Allele origin: germline.
Comment: The WDPCP c.1916-7_1916delinsC variant is predicted to result in an in-frame deletion and insertion. To our knowledge, this variant has not been reported in the literature or in a large population database (gnomAD), indicating this variant is rare. Loss of function variants, including the splice site alterations upstream and downstream of this variant, have been reported in the homozygous state in individuals with WDPCP-related disorders (see for example, c.76-1G>T in Kim et al. 2010. PubMed ID: 20671153; c.2078+1G>T in Table S1, Maddirevula et al. 2020. PubMed ID: 32552793). Variants that disrupt the consensus splice acceptor site in WDPCP are expected to be pathogenic. This variant is interpreted as likely pathogenic.

NM_015910.7(WDPCP):c.1916-7_1916delinsC

Gene: WDPCP (WD repeat containing planar cell polarity effector; minus strand). Cytogenetic location: 2p15.
Variant type: Indel.
Coding change: c.1916-7_1916delinsC on transcript NM_015910.7 (MANE Select); 7 bases into the intron before coding-DNA position 1916 through coding-DNA position 1916, TCAACAGA replaced by C.
Molecular consequence: splice acceptor variant.
Genome position (GRCh38, 1-based): chr2:63,174,832-63,174,839, TCTGTTGA replaced by G on the plus strand (TCAACAGA replaced by C on the coding strand, the reverse complement: WDPCP is on the minus strand). VCF-style: chr2-63174832-TCTGTTGA-G. GRCh37 (hg19) VCF-style: chr2-63401967-TCTGTTGA-G.
Other names: c.1844-7_1844delinsC (NM_001354044.2); c.1439-7_1439delinsC (NM_001042692.3).
Identifiers: ClinVar variation 4997172 (VCV004997172.1).